The following is an entry in ClinVar:

NM_001256545.2(MEGF10):c.2199C>T (p.Cys733=)

Gene: MEGF10 (multiple EGF like domains 10; plus strand). Cytogenetic location: 5q23.2.
Variant type: single nucleotide variant.
Coding change: c.2199C>T on transcript NM_001256545.2 (MANE Select); coding-DNA position 2199, C replaced by T.
Protein change: p.Cys733=; no amino-acid change (cysteine 733 retained).
Molecular consequence: synonymous variant.
Genome position (GRCh38, 1-based): chr5:127,438,533, C>T. VCF-style: chr5-127438533-C-T. GRCh37 (hg19) VCF-style: chr5-126774225-C-T.
Other names: p.Cys733=; c.2199C>T, p.Cys733= (NM_032446.3).
Identifiers: ClinVar variation 262072 (VCV000262072.24), dbSNP rs35591368, ClinGen allele CA3391866.

ClinVar aggregate classification (germline): Benign/Likely benign. Review status: criteria provided, multiple submitters, no conflicts (2 of 4 stars). 7 submissions from 7 submitters: Benign (5); Likely benign (2). Last evaluated 2026-02-04.

Conditions:
MEGF10-related myopathy (CMYO10A). Also called: Congenital myopathy 10A, severe variant. Identifiers: Orphanet 439212, MedGen C3280679, MONDO:0013731, OMIM 614399.

Allele frequency attached by ClinVar (database versions not stated): gnomAD 0.02613 and 0.02614; 1000 Genomes Project 0.02935; ExAC 0.02675; TOPMed 0.02677; 1000 Genomes Project 30x 0.02780; ESP Exome Variant Server 0.02860; gnomAD exomes 0.02605 and 0.03114.
gnomAD v4.1: 49,641 of 1,614,016 alleles (3.1%); highest among the groups gnomAD compares: East Asian, 3.8%; 854 homozygotes.

Submissions (7):

Labcorp Genetics (formerly Invitae), Labcorp
Classification: Benign for MEGF10-related myopathy. Last evaluated: 2026-02-04. Review status: criteria provided, single submitter. Criteria: Invitae Variant Classification Sherloc (09022015). Collection method: clinical testing. Allele origin: germline.

Athena Diagnostics
Classification: Benign. Last evaluated: 2025-09-26. Review status: criteria provided, single submitter. Criteria: Athena Diagnostics Criteria. Collection method: clinical testing. Allele origin: unknown.
Comment: The frequency of this variant in the general population is higher than would generally be expected for pathogenic variants in this gene.

Mayo Clinic Laboratories, Mayo Clinic
Classification: Benign. Last evaluated: 2023-06-21. Review status: criteria provided, single submitter. Criteria: ACMG Guidelines, 2015. Collection method: clinical testing. Allele origin: germline. Observed: 29 variant alleles.

Illumina Laboratory Services, Illumina
Classification: Likely benign for MEGF10-related myopathy. Last evaluated: 2018-01-12. Review status: criteria provided, single submitter. Criteria: ICSL Variant Classification Criteria 13 December 2019. Collection method: clinical testing. Allele origin: germline.
Comment: This variant was observed in the ICSL laboratory as part of a predisposition screen in an ostensibly healthy population. It had not been previously curated by ICSL or reported in the Human Gene Mutation Database (HGMD: prior to June 1st, 2018), and was therefore a candidate for classification through an automated scoring system. Utilizing variant allele frequency, disease prevalence and penetrance estimates, and inheritance mode, an automated score was calculated to assess if this variant is too frequent to cause the disease. Based on the score and internal cut-off values, a variant classified as likely benign is not then subjected to further curation. The score for this variant resulted in a classification of likely benign for this disease.

GeneDx
Classification: Benign. Last evaluated: 2016-01-28. Review status: criteria provided, single submitter. Criteria: GeneDx Variant Classification (06012015). Collection method: clinical testing. Allele origin: germline. Affected: yes.
Comment: This variant is considered likely benign or benign based on one or more of the following criteria: it is a conservative change, it occurs at a poorly conserved position in the protein, it is predicted to be benign by multiple in silico algorithms, and/or has population frequency not consistent with disease.

Breakthrough Genomics
Classification: Likely benign. Review status: criteria provided, single submitter. Criteria: ACMG Guidelines, 2015. Collection method: not provided. Allele origin: germline. Inheritance: Autosomal recessive inheritance. Affected: yes.

PreventionGenetics, part of Exact Sciences
Classification: Benign. Review status: criteria provided, single submitter. Criteria: ACMG Guidelines, 2015. Collection method: clinical testing. Allele origin: germline.